The following is an entry in ClinVar:

NC_000010.10:g.(?_104159421)_(104162033_?)del

Gene: NFKB2 (nuclear factor kappa B subunit 2; plus strand). Cytogenetic location: 10q24.32.
Variant type: Deletion.
Identifiers: ClinVar variation 1511259 (VCV001511259.7).

ClinVar aggregate classification (germline): Uncertain significance (1 of 4 stars; one submission).

Conditions:
Immunodeficiency, common variable, 10. Also called: DEFICIT IN ANTERIOR PITUITARY FUNCTION AND VARIABLE IMMUNODEFICIENCY; IMMUNODEFICIENCY, COMMON VARIABLE, WITH CENTRAL ADRENAL INSUFFICIENCY. Identifiers: MedGen C3809991, MONDO:0014260, OMIM 615577.

Submission:

Labcorp Genetics (formerly Invitae), Labcorp
Classification: Uncertain significance for Immunodeficiency, common variable, 10. Last evaluated: 2022-10-03. Review status: criteria provided, single submitter. Criteria: Invitae Variant Classification Sherloc (09022015). Collection method: clinical testing. Allele origin: germline.
Comment: In summary, the available evidence is currently insufficient to determine the role of this variant in disease. Therefore, it has been classified as a Variant of Uncertain Significance. Experimental studies and prediction algorithms are not available or were not evaluated, and the functional significance of this variant is currently unknown. This variant has not been reported in the literature in individuals affected with NFKB2-related conditions. This variant results in the deletion of exon(s) 15-22 and parts of exon(s) 14 and 23 (c.1417_2605del) of the NFKB2 gene. While this deletion is not anticipated to lead to nonsense mediated decay, it is expected to disrupt the C-terminus of the protein.